The following is an entry in ClinVar:

NM_030665.4(RAI1):c.1503G>A (p.Pro501=)

Gene: RAI1 (retinoic acid induced 1; plus strand). Cytogenetic location: 17p11.2.
Variant type: single nucleotide variant.
Coding change: c.1503G>A on transcript NM_030665.4 (MANE Select); coding-DNA position 1503, G replaced by A.
Protein change: p.Pro501=; no amino-acid change (proline 501 retained).
Molecular consequence: synonymous variant.
Genome position (GRCh38, 1-based): chr17:17,794,451, G>A. VCF-style: chr17-17794451-G-A. GRCh37 (hg19) VCF-style: chr17-17697765-G-A.
Identifiers: ClinVar variation 586393 (VCV000586393.10), dbSNP rs374194622, ClinGen allele CA8418345.

ClinVar aggregate classification (germline): Likely benign. Review status: criteria provided, multiple submitters, no conflicts (2 of 4 stars). 3 submissions from 3 submitters: Likely benign (2). 1 of the submissions does not count toward it. Last evaluated 2025-10-29.

Conditions:
RAI1-related disorder. Also called: RAI1-related condition.

Allele frequency attached by ClinVar (database versions not stated): gnomAD 0.00006 and 0.00007; ESP Exome Variant Server 0.00008; TOPMed 0.00012.
gnomAD v4.1: 34 of 1,612,614 alleles (0.0021%); highest among the groups gnomAD compares: African/African-American, 0.021%; no homozygotes.

Submissions (3):

Labcorp Genetics (formerly Invitae), Labcorp
Classification: Likely benign. Last evaluated: 2025-10-29. Review status: criteria provided, single submitter. Criteria: Invitae Variant Classification Sherloc (09022015). Collection method: clinical testing. Allele origin: germline.

Athena Diagnostics
Classification: Likely benign. Last evaluated: 2018-04-11. Review status: criteria provided, single submitter. Criteria: Athena Diagnostics Criteria. Collection method: clinical testing. Allele origin: germline.

PreventionGenetics, part of Exact Sciences
Classification: Likely benign for RAI1-related condition. Last evaluated: 2024-06-12. Review status: no assertion criteria provided. Collection method: clinical testing. Allele origin: germline. Not counted in ClinVar's aggregate classification.
Comment: This variant is classified as likely benign based on ACMG/AMP sequence variant interpretation guidelines (Richards et al. 2015 PMID: 25741868, with internal and published modifications).